The following is an entry in ClinVar:

ClinVar aggregate classification (germline): Likely pathogenic (1 of 4 stars; one submission).

Conditions:
Alpha thalassemia-X-linked intellectual disability syndrome (ATRX). Also called: ALPHA-THALASSEMIA/MENTAL RETARDATION SYNDROME, X-LINKED; ATR, NONDELETION TYPE; ATR-X syndrome; Alpha thalassemia mental retardation syndrome, nondeletion type, X-linked; XLMR hypotonic face syndrome; X-linked alpha-thalassemia-mental retardation syndrome. Identifiers: Orphanet 847, MedGen C1845055, MONDO:0010519, OMIM 301040.

Submission:

Credence Genomics
Classification: Likely pathogenic for Alpha thalassemia-X-linked intellectual disability syndrome. Last evaluated: 2024-06-11. Review status: criteria provided, single submitter. Criteria: ACMG Guidelines, 2015. Collection method: clinical testing. Allele origin: germline. Inheritance: X-linked inheritance. Affected: yes. Observed: 1 variant allele, 1 hemizygote.
Comment: The variant is located within the critical, highly conserved ADD zinc-finger domain (PM1) and is absent from large population databases (PM2). In silico computational tools (SIFT, MutationTaster) unanimously predict a deleterious effect on protein function (PP3). Furthermore, the patient’s clinical presentation exhibits the classic, pathognomonic phenotype of Alpha-thalassemia X-linked intellectual disability syndrome (OMIM #301040) (PP4).Combining two Moderate criteria (PM1, PM2) and three Supporting criteria (PP1, PP3, PP4)—fulfills the ACMG/AMP 2015 criteria for classifying this variant as Likely Pathogenic.

NM_000489.6(ATRX):c.666G>T (p.Trp222Cys)

Gene: ATRX (ATRX chromatin remodeler; minus strand). Cytogenetic location: Xq21.1.
Variant type: single nucleotide variant.
Coding change: c.666G>T on transcript NM_000489.6 (MANE Select); coding-DNA position 666, G replaced by T.
Protein change: p.Trp222Cys; replaces tryptophan 222 with cysteine.
Molecular consequence: missense variant.
Genome position (GRCh38, 1-based): chrX:77,684,590, C>A on the plus strand (G>T on the coding strand, the complement: ATRX is on the minus strand). VCF-style: chrX-77684590-C-A. GRCh37 (hg19) VCF-style: chrX-76940082-C-A.
Other names: c.552G>T, p.Trp184Cys (NM_138270.5); short protein forms W184C, W222C.
Identifiers: ClinVar variation 4884603 (VCV004884603.1).